The following is an entry in ClinVar:

ClinVar aggregate classification (germline): Uncertain significance (1 of 4 stars; one submission).

Conditions:
Hereditary cancer-predisposing syndrome. Also called: Neoplastic Syndromes, Hereditary; Tumor predisposition; Hereditary Cancer Syndrome; Hereditary neoplastic syndrome. Identifiers: Orphanet 140162, MedGen C0027672, MeSH D009386, MONDO:0015356.

Submission:

Ambry Genetics
Classification: Uncertain significance for Hereditary cancer-predisposing syndrome. Last evaluated: 2025-09-18. Review status: criteria provided, single submitter. Criteria: Ambry Variant Classification Scheme 2023. Collection method: clinical testing. Allele origin: germline.
Comment: The p.E6Q variant (also known as c.16G>C), located in coding exon 1 of the NTHL1 gene, results from a G to C substitution at nucleotide position 16. The glutamic acid at codon 6 is replaced by glutamine, an amino acid with highly similar properties. This amino acid position is conserved. In addition, this alteration is predicted to be tolerated by in silico analysis. Based on the available evidence, the clinical significance of this variant remains unclear.

NM_002528.7(NTHL1):c.-9G>C

Gene: NTHL1 (nth like DNA glycosylase 1; minus strand). Cytogenetic location: 16p13.3.
Variant type: single nucleotide variant.
Coding change: c.-9G>C on transcript NM_002528.7 (MANE Select); 9 bases upstream of the start codon, G replaced by C.
Molecular consequence: 5 prime UTR variant.
Genome position (GRCh38, 1-based): chr16:2,047,832, C>G on the plus strand (G>C on the coding strand, the complement: NTHL1 is on the minus strand). VCF-style: chr16-2047832-C-G. GRCh37 (hg19) VCF-style: chr16-2097833-C-G.
Other names: c.-9G>C (NM_001318193.2); c.-187G>C (NM_001318194.2).
Identifiers: ClinVar variation 4662235 (VCV004662235.1).